The following is an entry in ClinVar:

NM_004239.4(TRIP11):c.5470G>A (p.Asp1824Asn)

Gene: TRIP11 (thyroid hormone receptor interactor 11; minus strand). Cytogenetic location: 14q32.12.
Variant type: single nucleotide variant.
Coding change: c.5470G>A on transcript NM_004239.4 (MANE Select); coding-DNA position 5470, G replaced by A.
Protein change: p.Asp1824Asn; replaces aspartic acid 1824 with asparagine.
Molecular consequence: missense variant.
Genome position (GRCh38, 1-based): chr14:91,974,731, C>T on the plus strand (G>A on the coding strand, the complement: TRIP11 is on the minus strand). VCF-style: chr14-91974731-C-T. GRCh37 (hg19) VCF-style: chr14-92441075-C-T.
Other names: c.5467G>A, p.Asp1823Asn (NM_001321851.1); short protein forms D1824N, D1823N.
Identifiers: ClinVar variation 459273 (VCV000459273.6), dbSNP rs550137986, ClinGen allele CA7313133.

ClinVar aggregate classification (germline): Uncertain significance (1 of 4 stars; one submission).

Conditions:
Achondrogenesis, type IA (ACG1A). Identifiers: Orphanet 932, Orphanet 93299, MedGen C0265273, MONDO:0008701, OMIM 200600.

Allele frequency attached by ClinVar (database versions not stated): gnomAD 0.00001 and 0.00003; gnomAD exomes 0.00001 and 0.00002; ExAC 0.00002; 1000 Genomes Project 0.00040; 1000 Genomes Project 30x 0.00047.
gnomAD v4.1: 16 of 1,611,356 alleles (0.00099%); highest among the groups gnomAD compares: East Asian, 0.0067%; 1 homozygote.

Submission:

Labcorp Genetics (formerly Invitae), Labcorp
Classification: Uncertain significance for Achondrogenesis, type IA. Last evaluated: 2017-06-21. Review status: criteria provided, single submitter. Criteria: Invitae Variant Classification Sherloc (09022015). Collection method: clinical testing. Allele origin: germline.
Comment: This sequence change replaces aspartate with asparagine at codon 1824 of the TRIP11 protein (p.Asp1824Asn). The ¬†residue is moderately conserved and there is a small physicochemical difference between aspartate and asparagine. This variant is present in population databases (rs550137986, ExAC 0.02%), including at least one homozygous individual. This variant has not been reported in the literature in individuals with a TRIP11-related disease. In summary, this variant has uncertain impact on TRIP11 function. The available evidence is currently insufficient to determine its role in disease. Therefore, it has been classified as a Variant of Uncertain Significance. Algorithms developed to predict the effect of missense changes on protein structure and function do not agree on the potential impact of this missense change (SIFT: "Tolerated"; PolyPhen-2: "Possibly Damaging"; Align-GVGD: "C0").